The following is an entry in ClinVar:

ClinVar aggregate classification (germline): Conflicting classifications of pathogenicity. Review status: criteria provided, conflicting classifications (1 of 4 stars). 6 submissions from 5 submitters: Uncertain significance (4); Likely benign (2). Last evaluated 2026-03-17.

Conditions:
Hereditary cancer-predisposing syndrome. Also called: Hereditary Cancer Syndrome; Neoplastic Syndromes, Hereditary; Tumor predisposition; Hereditary neoplastic syndrome. Identifiers: Orphanet 140162, MedGen C0027672, MeSH D009386, MONDO:0015356.
Cardiovascular phenotype. Identifiers: MedGen CN230736.
Neurofibromatosis, type 1 (NF1). Also called: NEUROFIBROMATOSIS, TYPE I, SOMATIC; VON RECKLINGHAUSEN DISEASE; Peripheral type neurofibromatosis; Neurofibromatosis, type I. Identifiers: Orphanet 636, MedGen C0027831, MONDO:0018975, OMIM 162200. Disease mechanism: loss of function.

Submissions (6):

GeneDx
Classification: Uncertain significance. Last evaluated: 2026-03-17. Review status: criteria provided, single submitter. Criteria: GeneDx Variant Classification Process June 2021. Collection method: clinical testing. Allele origin: germline. Affected: yes.
Comment: Has not been previously published as pathogenic or benign to our knowledge; In silico analysis is inconclusive as to whether the variant alters gene splicing. In the absence of RNA/functional studies, the actual effect of this sequence change is unknown.

Labcorp Genetics (formerly Invitae), Labcorp
Classification: Likely benign for Neurofibromatosis, type 1. Last evaluated: 2025-09-03. Review status: criteria provided, single submitter. Criteria: Invitae Variant Classification Sherloc (09022015). Collection method: clinical testing. Allele origin: germline.

St. Jude Molecular Pathology, St. Jude Children's Research Hospital
Classification: Uncertain significance for Neurofibromatosis, type 1. Last evaluated: 2024-08-14. Review status: criteria provided, single submitter. Criteria: St. Jude Assertion Criteria 2020. Collection method: clinical testing. Allele origin: germline.
Comment: The NF1 c.2002-4_2002-3del intronic change results in a deletion of two nucleotides at the -4 and -3 position of intron 17 of the NF1 gene. Algorithms that predict the impact of sequence changes on splicing indicate that this variant likely does not affect splicing. This variant has a maximum subpopulation frequency of 0.0009% in gnomAD v2.1.1. This variant has not been reported in individuals with neurofibromatosis type 1. In summary, the evidence currently available is insufficient to determine the clinical significance of this variant. It has therefore been classified as of uncertain significance.

Genetic Services Laboratory, University of Chicago
Classification: Uncertain significance. Last evaluated: 2021-05-14. Review status: criteria provided, single submitter. Criteria: ACMG Guidelines, 2015. Collection method: clinical testing. Allele origin: germline. Affected: no.
Comment: DNA sequence analysis of the NF1 gene demonstrated a two-nucleotide deletion in intron 17, c.2002-4_2002-3del. This change does not appear to have been previously described in individuals with NF1-related disorders, however, a sequence change at a similar position (c.2002-3C>G) has been described in one family with spinal neurofibromatosis (PMID: 23812910). The c.2002-4_2002-3del sequence change has been described in one non-Finnish European the gnomAD population database (dbSNP rs1363607538). This sequence change is not clearly predicted to have a deleterious effect on splicing based on in silico splice prediction programs. It is possible that this sequence change represents a benign sequence change in the NF1 gene that has not been identified to date. The functional significance of this sequence change is not known at present and its contribution to this patient's disease phenotype cannot definitively be determined.

Ambry Genetics
Classification: Likely benign for Cardiovascular phenotype; Hereditary cancer-predisposing syndrome. Last evaluated: 2020-02-26. Review status: criteria provided, single submitter. Criteria: Ambry Variant Classification Scheme 2023. Collection method: clinical testing. Allele origin: germline.

Ambry Genetics
Classification: Uncertain significance for Hereditary cancer-predisposing syndrome. Last evaluated: 2015-08-10. Review status: criteria provided, single submitter. Criteria: Ambry Autosomal Dominant and X-Linked criteria (10/2015). Collection method: clinical testing. Allele origin: germline. Observed: 1 variant allele.
Comment: <p style="text-align:justify">The c.2002-4_2002-3delTC intronic variant is located three nucleotides before coding exon 18 of the NF1 gene. This variant results from a deletion of twonucleotides at positionsc.2002-3 andc.2002-4.Based on data from the NHLBI Exome Sequencing Project(ESP), thisallele has an overall frequency of approximately 0.01% (1/12518) total alleles studied and 0.01% (1/8254) EuropeanAmerican alleles.Allele frequency datafor this varaint are not currently available from the 1000 Genomes Project and the alteration is not currently listed in the Database of Single NucleotidePolymorphisms (dbSNP). To date, this alteration has been detected with an allele frequency of approximately 0.003% (>30000 alleles tested) in our clinical cohort.Thesenucleotide positions arenot well conserved in available vertebrate species. Using the BDGP and ESEfinder splice site prediction tools, this alteration is predicted to weaken the efficiency of the nativesplice acceptor site; however, direct evidence is unavailable. Since supporting evidence is limited at this time, the clinical significance of c.2002-4_2002-3delTC remains unclear.

NM_001042492.3(NF1):c.2002-4_2002-3del

Gene: NF1 (neurofibromin 1; plus strand). Cytogenetic location: 17q11.2.
Variant type: Microsatellite.
Coding change: c.2002-4_2002-3del on transcript NM_001042492.3 (MANE Select); 4 bases into the intron before coding-DNA position 2002 through 3 bases into the intron before coding-DNA position 2002, 2 bases deleted (TC; older notation c.2002-4_2002-3delTC).
Molecular consequence: intron variant.
Genome position (GRCh38, 1-based): chr17:31,226,431-31,226,432, TC deleted; deleting any 2 consecutive bases within chr17:31,226,428-31,226,432 gives the same sequence; the c. name uses the placement nearest the transcript's 3' end. VCF-style (leftmost placement, unchanged base first): chr17-31226427-ACT-A. GRCh37 (hg19) VCF-style: chr17-29553445-ACT-A.
Other names: c.2002-4_2002-3delTC (NM_000267.3, NM_001042492.2); c.2002-4_2002-3del (NM_000267.4).
Identifiers: ClinVar variation 187352 (VCV000187352.21), dbSNP rs786203664, ClinGen allele CA197431.